The following is an entry in ClinVar:

ClinVar aggregate classification (germline): Uncertain significance (1 of 4 stars; one submission).

Conditions:
Axenfeld-Rieger syndrome type 3 (RIEG3). Also called: AXENFELD-RIEGER ANOMALY WITH CARDIAC DEFECTS AND/OR SENSORINEURAL HEARING LOSS. Identifiers: Orphanet 782, MedGen C2678503, MONDO:0011233, OMIM 602482.

gnomAD v4.1: 1 of 1,593,520 alleles (0.000063%); highest among the groups gnomAD compares: Non-Finnish European, 0.000085%; no homozygotes.

Submission:

Labcorp Genetics (formerly Invitae), Labcorp
Classification: Uncertain significance for Axenfeld-Rieger syndrome type 3. Last evaluated: 2022-08-01. Review status: criteria provided, single submitter. Criteria: Invitae Variant Classification Sherloc (09022015). Collection method: clinical testing. Allele origin: germline.
Comment: In summary, the available evidence is currently insufficient to determine the role of this variant in disease. Therefore, it has been classified as a Variant of Uncertain Significance. Algorithms developed to predict the effect of missense changes on protein structure and function (SIFT, PolyPhen-2, Align-GVGD) all suggest that this variant is likely to be tolerated. This variant has not been reported in the literature in individuals affected with FOXC1-related conditions. This variant is not present in population databases (gnomAD no frequency). This sequence change replaces serine, which is neutral and polar, with asparagine, which is neutral and polar, at codon 45 of the FOXC1 protein (p.Ser45Asn).

NM_001453.3(FOXC1):c.134G>A (p.Ser45Asn)

Gene: FOXC1 (forkhead box C1; plus strand). Cytogenetic location: 6p25.3.
Variant type: single nucleotide variant.
Coding change: c.134G>A on transcript NM_001453.3 (MANE Select); coding-DNA position 134, G replaced by A.
Protein change: p.Ser45Asn; replaces serine 45 with asparagine.
Molecular consequence: missense variant.
Genome position (GRCh38, 1-based): chr6:1,610,579, G>A. VCF-style: chr6-1610579-G-A. GRCh37 (hg19) VCF-style: chr6-1610814-G-A.
Other names: short protein forms S45N.
Identifiers: ClinVar variation 1975777 (VCV001975777.5), dbSNP rs1473593889, ClinGen allele CA362558148.
Genomic context (GRCh38, chr6:1,610,579, plus strand): 5'-ACTACCGCGCGGCGGCCGCGGCGGCCGGGGGCGGCTACACCGCCATGCCGGCCCCCATGA[G>A]CGTGTACTCGCACCCTGCGCACGCCGAGCAGTACCCGGGCGGCATGGCCCGCGCCTACGG-3'
Protein context (NP_001444.2, residues 35-55): GGYTAMPAPM[Ser45Asn]VYSHPAHAEQ